The following is an entry in ClinVar:

ClinVar aggregate classification (germline): Uncertain significance (1 of 4 stars; one submission).

Conditions:
Palatal anomalies-widely spaced teeth-facial dysmorphism-developmental delay syndrome. Also called: Cleft palate, psychomotor retardation, and distinctive facial features. Identifiers: Orphanet 477993, MedGen C4225229, MONDO:0014751, OMIM 616728.

Submission:

OLLIN Analises Genomicas, OLLIN
Classification: Uncertain significance for Palatal anomalies-widely spaced teeth-facial dysmorphism-developmental delay syndrome. Last evaluated: 2026-08-06. Review status: criteria provided, single submitter. Criteria: ACMG Guidelines 2015 PMID 25741868. Collection method: clinical testing. Allele origin: germline. Inheritance: Autosomal dominant inheritance.
Comment: This missense variant, located in exon 11 (of 21), is absent from gnomAD and has not been identified in the literature. However, it has been reported in ClinVar (accession VCV004386758.1). In silico analysis is inconclusive regarding the impact of this variant. This gene is constrained for missense variation. According to the currently available evidence, this variant has been classified as uncertain significance (PM2_P, PP2).

NM_001009999.3(KDM1A):c.1237A>T (p.Thr413Ser)

Gene: KDM1A (lysine demethylase 1A; plus strand). Cytogenetic location: 1p36.12.
Variant type: single nucleotide variant.
Coding change: c.1237A>T on transcript NM_001009999.3 (MANE Select); coding-DNA position 1237, A replaced by T.
Protein change: p.Thr413Ser; replaces threonine 413 with serine.
Molecular consequence: missense variant.
Genome position (GRCh38, 1-based): chr1:23,068,596, A>T. VCF-style: chr1-23068596-A-T. GRCh37 (hg19) VCF-style: chr1-23395089-A-T.
Other names: c.1165A>T, p.Thr389Ser (NM_001363654.2, NM_001410763.1, NM_015013.4); c.1225A>T, p.Thr409Ser (NM_001410762.1); short protein forms T389S, T413S, T409S.
Identifiers: ClinVar variation 5003191 (VCV005003191.1).